The following is an entry in ClinVar:

NM_016169.4(SUFU):c.1366-5C>T

Gene: SUFU (SUFU negative regulator of hedgehog signaling; plus strand). Cytogenetic location: 10q24.32.
Variant type: single nucleotide variant.
Coding change: c.1366-5C>T on transcript NM_016169.4 (MANE Select); 5 bases into the intron before coding-DNA position 1366, C replaced by T.
Molecular consequence: intron variant.
Genome position (GRCh38, 1-based): chr10:102,630,061, C>T. VCF-style: chr10-102630061-C-T. GRCh37 (hg19) VCF-style: chr10-104389818-C-T.
Identifiers: ClinVar variation 3963851 (VCV003963851.1).

ClinVar aggregate classification (germline): Uncertain significance (1 of 4 stars; one submission).

Conditions:
Hereditary cancer-predisposing syndrome. Also called: Tumor predisposition; Hereditary neoplastic syndrome; Hereditary Cancer Syndrome; Neoplastic Syndromes, Hereditary. Identifiers: Orphanet 140162, MedGen C0027672, MeSH D009386, MONDO:0015356.

Submission:

Ambry Genetics
Classification: Uncertain significance for Hereditary cancer-predisposing syndrome. Last evaluated: 2025-04-03. Review status: criteria provided, single submitter. Criteria: Ambry Variant Classification Scheme 2023. Collection method: clinical testing. Allele origin: germline.
Comment: The c.1366-5C>T intronic variant results from a C to T substitution 5 nucleotides upstream from coding exon 12 in the SUFU gene. This nucleotide position is well conserved in available vertebrate species. In silico splice site analysis predicts that this alteration will not have any significant effect on splicing. Based on the available evidence, the clinical significance of this variant remains unclear.